The following is an entry in ClinVar:

ClinVar aggregate classification (germline): Likely benign. Review status: criteria provided, multiple submitters, no conflicts (2 of 4 stars). 2 submissions from 2 submitters: Likely benign (2). Last evaluated 2025-11-01.

Conditions:
Joubert syndrome. Also called: JOUBERT-BOLTSHAUSER SYNDROME; Familial aplasia of the vermis. Identifiers: Orphanet 475, MedGen C5979921, MONDO:0018772.
Meckel-Gruber syndrome. Also called: Dysencephalia splachnocystica; DYSENCEPHALIA SPLANCHNOCYSTICA; GRUBER SYNDROME. Identifiers: Orphanet 564, MedGen C0265215, MONDO:0018921.

Allele frequency attached by ClinVar (database versions not stated): ExAC 0.00001; gnomAD 0.00001 and 0.00002; gnomAD exomes 0.00002; TOPMed 0.00002.
gnomAD v4.1: 27 of 1,613,700 alleles (0.0017%); highest among the groups gnomAD compares: Admixed American, 0.013%; no homozygotes.

Submissions (2):

Labcorp Genetics (formerly Invitae), Labcorp
Classification: Likely benign for Joubert syndrome; Meckel-Gruber syndrome. Last evaluated: 2025-11-01. Review status: criteria provided, single submitter. Criteria: Invitae Variant Classification Sherloc (09022015). Collection method: clinical testing. Allele origin: germline.

CeGaT Center for Human Genetics Tuebingen
Classification: Likely benign. Last evaluated: 2024-01-01. Review status: criteria provided, single submitter. Criteria: CeGaT Center For Human Genetics Tuebingen Variant Classification Criteria Version 2. Collection method: clinical testing. Allele origin: germline. Affected: yes. Observed: 1 variant allele.
Comment: RPGRIP1L: BP4, BP7

NM_015272.5(RPGRIP1L):c.2121C>T (p.Ser707=)

Gene: RPGRIP1L (RPGRIP1 like; minus strand). Cytogenetic location: 16q12.2.
Variant type: single nucleotide variant.
Coding change: c.2121C>T on transcript NM_015272.5 (MANE Select); coding-DNA position 2121, C replaced by T.
Protein change: p.Ser707=; no amino-acid change (serine 707 retained).
Molecular consequence: synonymous variant.
Genome position (GRCh38, 1-based): chr16:53,652,566, G>A on the plus strand (C>T on the coding strand, the complement: RPGRIP1L is on the minus strand). VCF-style: chr16-53652566-G-A. GRCh37 (hg19) VCF-style: chr16-53686478-G-A.
Other names: c.2121C>T, p.Ser707= (NM_001127897.4, NM_001308334.3, NM_001330538.2).
Identifiers: ClinVar variation 1140577 (VCV001140577.31), dbSNP rs771201854, ClinGen allele CA8057636.